The following is an entry in ClinVar:

NM_001040142.2(SCN2A):c.4270dup (p.Trp1424fs)

Gene: SCN2A (sodium voltage-gated channel alpha subunit 2; plus strand). Cytogenetic location: 2q24.3.
Variant type: Duplication.
Coding change: c.4270dup on transcript NM_001040142.2 (MANE Select); coding-DNA position 4270, one base duplicated (T; older notation c.4270dupT).
Protein change: p.Trp1424fs; shifts the reading frame from tryptophan 1424.
Molecular consequence: frameshift variant.
Genome position (GRCh38, 1-based): chr2:165,377,612, T duplicated. VCF-style (leftmost placement, unchanged base first): chr2-165377611-A-AT. GRCh37 (hg19) VCF-style: chr2-166234121-A-AT.
Other names: c.4270dup, p.Trp1424fs (NM_001040143.2, NM_001371246.1, NM_001371247.1 and 1 more transcripts); c.4270dupT (NM_021007.2); short protein forms W1424fs.
Identifiers: ClinVar variation 533497 (VCV000533497.7), dbSNP rs1553461662, ClinGen allele CA658795908.

ClinVar aggregate classification (germline): Pathogenic (1 of 4 stars; one submission).

Conditions:
Developmental and epileptic encephalopathy, 11 (DEE11). Also called: Early infantile epileptic encephalopathy 11. Identifiers: Orphanet 1934, MedGen C3150987, MONDO:0013388, OMIM 613721.
Seizures, benign familial infantile, 3 (BFIS3). Also called: CONVULSIONS, BENIGN FAMILIAL INFANTILE, 3; Familial neonatal seizures. Identifiers: Orphanet 140927, Orphanet 306, MedGen C1843140, MONDO:0011904, OMIM 607745.

Submission:

Labcorp Genetics (formerly Invitae), Labcorp
Classification: Pathogenic for Seizures, benign familial infantile, 3; Developmental and epileptic encephalopathy, 11. Last evaluated: 2020-02-07. Review status: criteria provided, single submitter. Criteria: Invitae Variant Classification Sherloc (09022015). Collection method: clinical testing. Allele origin: germline.
Comment: This variant has not been reported in the literature in individuals with SCN2A-related conditions. ClinVar contains an entry for this variant (Variation ID: 533497). Loss-of-function variants in SCN2A are known to be pathogenic (PMID: 22495306, 23020937, 24650168). For these reasons, this variant has been classified as Pathogenic. This variant is not present in population databases (ExAC no frequency). This sequence change creates a premature translational stop signal (p.Trp1424Leufs*10) in the SCN2A gene. It is expected to result in an absent or disrupted protein product.

Literature cited by the submitters: PubMed 22495306; PubMed 23020937; PubMed 24650168.